The following is an entry in ClinVar:

NM_003640.5(ELP1):c.3046G>A (p.Glu1016Lys)

Gene: ELP1 (elongator acetyltransferase complex subunit 1; minus strand). Cytogenetic location: 9q31.3.
Variant type: single nucleotide variant.
Coding change: c.3046G>A on transcript NM_003640.5 (MANE Select); coding-DNA position 3046, G replaced by A.
Protein change: p.Glu1016Lys; replaces glutamic acid 1016 with lysine.
Molecular consequence: missense variant.
Genome position (GRCh38, 1-based): chr9:108,891,317, C>T on the plus strand (G>A on the coding strand, the complement: ELP1 is on the minus strand). VCF-style: chr9-108891317-C-T. GRCh37 (hg19) VCF-style: chr9-111653597-C-T.
Other names: c.3046G>A (NM_003640.3); c.2704G>A, p.Glu902Lys (NM_001318360.2); c.1999G>A, p.Glu667Lys (NM_001330749.2); short protein forms E1016K, E667K, E902K.
Identifiers: ClinVar variation 1063246 (VCV001063246.6), dbSNP rs868601119, ClinGen allele CA197530030.

ClinVar aggregate classification (germline): Uncertain significance. Review status: criteria provided, multiple submitters, no conflicts (2 of 4 stars). 4 submissions from 4 submitters: Uncertain significance (3). 1 of the submissions does not count toward it. Last evaluated 2024-08-22.

Conditions:
Familial dysautonomia. Also called: HSAN III; FD. Identifiers: Orphanet 1764, MedGen C0013364, MONDO:0009131, OMIM 223900. Disease mechanism: loss of function.

Allele frequency attached by ClinVar (database versions not stated): TOPMed below 0.00001; gnomAD exomes 0.00001; gnomAD 0.00002.
gnomAD v4.1: 23 of 1,614,012 alleles (0.0014%); highest among the groups gnomAD compares: Middle Eastern, 0.049%; no homozygotes.

Submissions (4):

GeneDx
Classification: Uncertain significance. Last evaluated: 2024-08-22. Review status: criteria provided, single submitter. Criteria: GeneDx Variant Classification Process June 2021. Collection method: clinical testing. Allele origin: germline. Affected: yes.
Comment: Not observed at significant frequency in large population cohorts (gnomAD); In silico analysis indicates that this missense variant does not alter protein structure/function; Has not been previously published as pathogenic or benign to our knowledge

Ambry Genetics
Classification: Uncertain significance. Last evaluated: 2022-03-20. Review status: criteria provided, single submitter. Criteria: Ambry Variant Classification Scheme 2023. Collection method: clinical testing. Allele origin: germline.
Comment: The p.E1016K variant (also known as c.3046G>A), located in coding exon 27 of the IKBKAP gene, results from a G to A substitution at nucleotide position 3046. The glutamic acid at codon 1016 is replaced by lysine, an amino acid with similar properties. This amino acid position is conserved. In addition, this alteration is predicted to be tolerated by in silico analysis. Since supporting evidence is limited at this time, the clinical significance of this alteration remains unclear.

Labcorp Genetics (formerly Invitae), Labcorp
Classification: Uncertain significance. Last evaluated: 2021-11-10. Review status: criteria provided, single submitter. Criteria: Invitae Variant Classification Sherloc (09022015). Collection method: clinical testing. Allele origin: germline.
Comment: This sequence change replaces glutamic acid, which is acidic and polar, with lysine, which is basic and polar, at codon 1016 of the ELP1 protein (p.Glu1016Lys). This variant is present in population databases (no rsID available, gnomAD 0.0009%). This variant has not been reported in the literature in individuals affected with ELP1-related conditions. ClinVar contains an entry for this variant (Variation ID: 1063246). Algorithms developed to predict the effect of missense changes on protein structure and function output the following: SIFT: "Tolerated"; PolyPhen-2: "Benign"; Align-GVGD: "Class C0". The lysine amino acid residue is found in multiple mammalian species, which suggests that this missense change does not adversely affect protein function. In summary, the available evidence is currently insufficient to determine the role of this variant in disease. Therefore, it has been classified as a Variant of Uncertain Significance.

Natera, Inc.
Classification: Uncertain significance for Familial dysautonomia. Last evaluated: 2020-05-06. Review status: no assertion criteria provided. Collection method: clinical testing. Allele origin: germline. Not counted in ClinVar's aggregate classification.